The following is an entry in ClinVar:

ClinVar aggregate classification (germline): Likely pathogenic (1 of 4 stars; one submission).

Conditions:
X-linked Alport syndrome (ATS1). Also called: COL4A5-Related Nephropathy; NEPHROPATHY AND DEAFNESS, X-LINKED. Identifiers: Orphanet 63, Orphanet 88917, MedGen C4746986, MONDO:0010520, OMIM 301050.

Submission:

MVZ Medizinische Genetik Mainz
Classification: Likely pathogenic for X-linked Alport syndrome. Last evaluated: 2026-05-07. Review status: criteria provided, single submitter. Criteria: UK Practice Guidelines For Variant Classification V4 01 2020. Collection method: clinical testing. Allele origin: germline. Inheritance: X-linked dominant inheritance. Affected: yes. Observed: 1 variant allele.
Comment: ACMG Criteria: PM1_STR,PS1_SUP,PM2_SUP,PM5_SUP,PP3,PP4

NM_033380.3(COL4A5):c.2164G>A (p.Gly722Arg)

Gene: COL4A5 (collagen type IV alpha 5 chain; plus strand). Cytogenetic location: Xq22.3.
Variant type: single nucleotide variant.
Coding change: c.2164G>A on transcript NM_033380.3 (MANE Select); coding-DNA position 2164, G replaced by A.
Protein change: p.Gly722Arg; replaces glycine 722 with arginine.
Molecular consequence: missense variant.
Genome position (GRCh38, 1-based): chrX:108,602,981, G>A. VCF-style: chrX-108602981-G-A. GRCh37 (hg19) VCF-style: chrX-107846211-G-A.
Other names: c.2164G>A, p.Gly722Arg (NM_000495.5); short protein forms G722R.
Identifiers: ClinVar variation 4852360 (VCV004852360.1).